The following is an entry in ClinVar:

NM_014795.4(ZEB2):c.2847G>A (p.Met949Ile)

Gene: ZEB2 (zinc finger E-box binding homeobox 2; minus strand). Cytogenetic location: 2q22.3.
Variant type: single nucleotide variant.
Coding change: c.2847G>A on transcript NM_014795.4 (MANE Select); coding-DNA position 2847, G replaced by A.
Protein change: p.Met949Ile; replaces methionine 949 with isoleucine.
Molecular consequence: missense variant.
Genome position (GRCh38, 1-based): chr2:144,398,340, C>T on the plus strand (G>A on the coding strand, the complement: ZEB2 is on the minus strand). VCF-style: chr2-144398340-C-T. GRCh37 (hg19) VCF-style: chr2-145155907-C-T.
Other names: c.2775G>A, p.Met925Ile (NM_001171653.2); short protein forms M925I, M949I.
Identifiers: ClinVar variation 961764 (VCV000961764.13), dbSNP rs1703257497, ClinGen allele CA348706629.
Genomic context (GRCh38, chr2:144,398,340, plus strand): 5'-GAAAAACATTTGTCTCTTTACCTGAAATCCTTGTTTCCGCTGGTACTTTCTCCTTTGCTG[C>T]ATATCAGCAAAAGTAGCTGCTCCAGTTGGGTAGGTGTAGGCCATATGTGGTAGGAAGCTC-3'
Protein context (NP_055610.1, residues 939-959): YPTGAATFAD[Met949Ile]QQRRKYQRKQ

ClinVar aggregate classification (germline): Conflicting classifications of pathogenicity. Review status: criteria provided, conflicting classifications (1 of 4 stars). 3 submissions from 3 submitters: Uncertain significance (2); Benign (1). Last evaluated 2024-10-24.

Conditions:
Mowat-Wilson syndrome (MOWS). Also called: Classic Mowat-Wilson Syndrome. Identifiers: Orphanet 2152, MedGen C1856113, MONDO:0009341, OMIM 235730.

Submissions (3):

Labcorp Genetics (formerly Invitae), Labcorp
Classification: Benign for Mowat-Wilson syndrome. Last evaluated: 2024-10-24. Review status: criteria provided, single submitter. Criteria: Invitae Variant Classification Sherloc (09022015). Collection method: clinical testing. Allele origin: germline.

Genome-Nilou Lab
Classification: Uncertain significance for Mowat-Wilson syndrome. Last evaluated: 2021-11-07. Review status: criteria provided, single submitter. Criteria: ACMG Guidelines, 2015. Collection method: clinical testing. Allele origin: germline. Affected: no.

GeneDx
Classification: Uncertain significance. Last evaluated: 2019-07-30. Review status: criteria provided, single submitter. Criteria: GeneDx Variant Classification Process June 2021. Collection method: clinical testing. Allele origin: germline. Affected: yes.
Comment: Not observed in large population cohorts (Lek et al., 2016); In silico analysis, which includes protein predictors and evolutionary conservation, supports that this variant does not alter protein structure/function; Has not been previously published as pathogenic or benign to our knowledge